The following is an entry in ClinVar:

NM_000492.4(CFTR):c.2373_2377delinsCC (p.Arg792_Lys793delinsGln)

Gene: CFTR (CF transmembrane conductance regulator; plus strand). Cytogenetic location: 7q31.2.
Variant type: Indel.
Coding change: c.2373_2377delinsCC on transcript NM_000492.4 (MANE Select); coding-DNA positions 2373 to 2377, ACGAA replaced by CC.
Protein change: p.Arg792_Lys793delinsGln.
Molecular consequence: inframe indel.
Genome position (GRCh38, 1-based): chr7:117,592,540-117,592,544, ACGAA replaced by CC. VCF-style: chr7-117592540-ACGAA-CC. GRCh37 (hg19) VCF-style: chr7-117232594-ACGAA-CC.
Other names: c.2373_2377delACGAAinsCC, p.Arg792_Lys793delinsGln (NM_000492.3).
Identifiers: ClinVar variation 2573428 (VCV002573428.2), dbSNP rs2485110630, ClinGen allele CA2580614249.

ClinVar aggregate classification (germline): Uncertain significance (1 of 4 stars; one submission).

Submission:

Women's Health and Genetics/Laboratory Corporation of America, LabCorp
Classification: Uncertain significance. Last evaluated: 2024-03-07. Review status: criteria provided, single submitter. Criteria: LabCorp Variant Classification Summary - May 2015. Collection method: clinical testing. Allele origin: germline.
Comment: Variant summary: CFTR c.2373_2377delinsCC (p.Arg792_Lys793delinsGln) results in an in-frame deletion-insertion that is predicted to delete one amino acids from the protein and also cause a change in one amino acid in the CFTR regulator domain of the encoded protein. The variant was absent in 181764 control chromosomes (gnomAD). The available data on variant occurrences in the general population are insufficient to allow any conclusion about variant significance. To our knowledge, no occurrence of c.2373_2377delinsCC in individuals affected with Cystic Fibrosis and no experimental evidence demonstrating its impact on protein function have been reported. No other clinical diagnostic laboratories have submitted clinical-significance assessments for this variant to ClinVar after 2014. Based on the evidence outlined above, the variant was classified as uncertain significance.